The following is an entry in ClinVar:

ClinVar aggregate classification (germline): Pathogenic (0 of 4 stars; one submission).

Conditions:
Fanconi anemia complementation group A (FANCA). Also called: Fanconi anemia, group A; FANCA-Related Fanconi Anemia. Identifiers: Orphanet 84, MedGen C3469521, MONDO:0009215, OMIM 227650.

Submission:

Leiden Open Variation Database
Classification: Pathogenic for Fanconi anemia complementation group A. Last evaluated: 2020-02-28. Review status: no assertion criteria provided. Collection method: curation. Allele origin: germline. Affected: yes.
Comment: Curator: Arleen D. Auerbach. Submitter to LOVD: Arleen D. Auerbach.

NM_000135.4(FANCA):c.3611G>C (p.Arg1204Pro)

Gene: FANCA (FA complementation group A; minus strand). Cytogenetic location: 16q24.3.
Variant type: single nucleotide variant.
Coding change: c.3611G>C on transcript NM_000135.4 (MANE Select); coding-DNA position 3611, G replaced by C.
Protein change: p.Arg1204Pro; replaces arginine 1204 with proline.
Molecular consequence: missense variant.
Genome position (GRCh38, 1-based): chr16:89,744,974, C>G on the plus strand (G>C on the coding strand, the complement: FANCA is on the minus strand). VCF-style: chr16-89744974-C-G. GRCh37 (hg19) VCF-style: chr16-89811382-C-G.
Other names: c.3611G>C, p.Arg1204Pro (NM_001286167.3); short protein forms R1204P.
Identifiers: ClinVar variation 974161 (VCV000974161.1), dbSNP rs770622823, ClinGen allele CA397485603.